The following is an entry in ClinVar:

ClinVar aggregate classification (germline): Uncertain significance (1 of 4 stars; one submission).

Submission:

GeneDx
Classification: Uncertain significance. Last evaluated: 2022-09-13. Review status: criteria provided, single submitter. Criteria: GeneDx Variant Classification Process June 2021. Collection method: clinical testing. Allele origin: germline. Affected: yes.
Comment: Not observed at significant frequency in large population cohorts (gnomAD); In-frame deletion of 3 amino acids in a non-repeat region; In silico analysis supports that this variant does not alter protein structure/function; Has not been previously published as pathogenic or benign to our knowledge; This variant is associated with the following publications: (PMID: 18466115)

NM_000548.5(TSC2):c.543_551del (p.Asn182_Val184del)

Gene: TSC2 (TSC complex subunit 2; plus strand). Cytogenetic location: 16p13.3.
Variant type: Deletion.
Coding change: c.543_551del on transcript NM_000548.5 (MANE Select); coding-DNA positions 543 to 551, 9 bases deleted (GAACTTGGT; older notation c.543_551delGAACTTGGT).
Protein change: p.Asn182_Val184del.
Molecular consequence: inframe deletion. On other transcripts: inframe indel (15), intron variant (1).
Genome position (GRCh38, 1-based): chr16:2,055,463-2,055,471, GAACTTGGT deleted; deleting any 9 consecutive bases within chr16:2,055,459-2,055,471 gives the same sequence; the c. name uses the placement nearest the transcript's 3' end. VCF-style (leftmost placement, unchanged base first): chr16-2055458-CTGGTGAACT-C. GRCh37 (hg19) VCF-style: chr16-2105459-CTGGTGAACT-C.
Other names: c.543_551delGAACTTGGT, p.Asn182_Val184del (NM_000548.3, NM_001406663.1, NM_001406664.1 and 3 more transcripts); c.543_551del, p.Asn182_Val184del (NM_001077183.3, NM_001114382.3, NM_001363528.2 and 3 more transcripts); c.432_440del, p.Asn145_Val147del (NM_001318827.2); c.396_404del, p.Asn133_Val135del (NM_001318829.2); c.576_584del, p.Asn193_Val195del (NM_001318832.2); c.633_641delGAACTTGGT, p.Asn212_Val214del (NM_001406667.1, NM_001406668.1); c.432_440delGAACTTGGT, p.Asn145_Val147del (NM_001406670.1, NM_001406678.1); c.396_404delGAACTTGGT, p.Asn133_Val135del (NM_001406675.1, NM_001406676.1, NM_001406679.1); and 9 more.
Identifiers: ClinVar variation 2443392 (VCV002443392.1), dbSNP rs2548434815, ClinGen allele CA2580090678.
Genomic context (GRCh38, chr16:2,055,458, plus strand): 5'-CCAGCTGACTTTGTCCTGCAGTGGATGGATGTTGGCTTGTCCTCGGAATTCCTTCTGGTG[CTGGTGAACT>C]TGGTCAAATTCAATAGCTGTTACCTCGACGAGTACATCGCAAGGATGGTTCAGTAAGAAA-3'